The following is an entry in ClinVar:

NM_007194.4(CHEK2):c.568_569insACCTTTGAATAACAATTCTGAAATTG (p.Ala190delinsAspLeuTer)

Gene: CHEK2 (checkpoint kinase 2; minus strand). Cytogenetic location: 22q12.1.
Variant type: Insertion.
Coding change: c.568_569insACCTTTGAATAACAATTCTGAAATTG on transcript NM_007194.4 (MANE Select); coding-DNA positions 568 to 569, ACCTTTGAATAACAATTCTGAAATTG inserted.
Protein change: p.Ala190delinsAspLeuTer.
Molecular consequence: nonsense. On other transcripts: 5 prime UTR variant (2), intron variant (1).
Genome position: GRCh38 VCF-style: chr22-28725000-G-GCAATTTCAGAATTGTTATTCAAAGGT. GRCh37 (hg19) VCF-style: chr22-29120988-G-GCAATTTCAGAATTGTTATTCAAAGGT.
Other names: c.697_698insACCTTTGAATAACAATTCTGAAATTG, p.Ala233delinsAspLeuTer (NM_001005735.3, NM_001438294.1); c.-210_-209insACCTTTGAATAACAATTCTGAAATTG (NM_001257387.3); c.-96_-95insACCTTTGAATAACAATTCTGAAATTG (NM_001437942.1); c.661_662insACCTTTGAATAACAATTCTGAAATTG, p.Ala221delinsAspLeuTer (NM_001438293.1, NM_001438295.1); c.568_569insACCTTTGAATAACAATTCTGAAATTG, p.Ala190delinsAspLeuTer (NM_145862.3); c.445-78_445-77insCCTTTGAATAACAATTCTGAAATTGA (NM_001349956.3).
Identifiers: ClinVar variation 825894 (VCV000825894.4), dbSNP rs1601823036, ClinGen allele CA915952735.

ClinVar aggregate classification (germline): Pathogenic (1 of 4 stars; one submission).

Conditions:
Hereditary cancer-predisposing syndrome. Also called: Neoplastic Syndromes, Hereditary; Tumor predisposition; Hereditary neoplastic syndrome; Hereditary Cancer Syndrome. Identifiers: Orphanet 140162, MedGen C0027672, MeSH D009386, MONDO:0015356.

Submission:

Ambry Genetics
Classification: Pathogenic for Hereditary cancer-predisposing syndrome. Last evaluated: 2019-05-06. Review status: criteria provided, single submitter. Criteria: Ambry Variant Classification Scheme 2023. Collection method: clinical testing. Allele origin: germline.
Comment: The c.568_569ins26 pathogenic mutation, located in coding exon 3 of the CHEK2 gene, results from an insertion of 26 nucleotides at position 568, causing a translational frameshift with a predicted alternate stop codon (p.A190Dfs*3). This alteration is expected to result in loss of function by premature protein truncation or nonsense-mediated mRNA decay. As such, this alteration is interpreted as a disease-causing mutation.